The following is an entry in ClinVar:

ClinVar aggregate classification (germline): Uncertain significance (1 of 4 stars; one submission).

Allele frequency attached by ClinVar (database versions not stated): gnomAD exomes below 0.00001; ExAC 0.00001.
gnomAD v4.1: 3 of 1,613,954 alleles (0.00019%); highest among the groups gnomAD compares: Non-Finnish European, 0.00025%; no homozygotes.

Submission:

Labcorp Genetics (formerly Invitae), Labcorp
Classification: Uncertain significance. Last evaluated: 2022-04-01. Review status: criteria provided, single submitter. Criteria: Invitae Variant Classification Sherloc (09022015). Collection method: clinical testing. Allele origin: germline.
Comment: This variant has not been reported in the literature in individuals affected with CNOT1-related conditions. This sequence change replaces alanine, which is neutral and non-polar, with glycine, which is neutral and non-polar, at codon 1286 of the CNOT1 protein (p.Ala1286Gly). This variant is present in population databases (rs754311636, gnomAD 0.002%). Algorithms developed to predict the effect of missense changes on protein structure and function (SIFT, PolyPhen-2, Align-GVGD) all suggest that this variant is likely to be tolerated. In summary, the available evidence is currently insufficient to determine the role of this variant in disease. Therefore, it has been classified as a Variant of Uncertain Significance.

NM_016284.5(CNOT1):c.3872C>G (p.Ala1291Gly)

Gene: CNOT1 (CCR4-NOT transcription complex subunit 1; minus strand). Cytogenetic location: 16q21.
Variant type: single nucleotide variant.
Coding change: c.3872C>G on transcript NM_016284.5 (MANE Select); coding-DNA position 3872, C replaced by G.
Protein change: p.Ala1291Gly; replaces alanine 1291 with glycine.
Molecular consequence: missense variant. On other transcripts: non-coding transcript variant (1).
Genome position (GRCh38, 1-based): chr16:58,546,455, G>C on the plus strand (C>G on the coding strand, the complement: CNOT1 is on the minus strand). VCF-style: chr16-58546455-G-C. GRCh37 (hg19) VCF-style: chr16-58580359-G-C.
Other names: c.3857C>G, p.Ala1286Gly (NM_001265612.2); c.3872C>G, p.Ala1291Gly (NM_206999.3); short protein forms A1291G, A1286G.
Identifiers: ClinVar variation 2071743 (VCV002071743.4), dbSNP rs754311636, ClinGen allele CA8089303.